The following is an entry in ClinVar:

NM_001378615.1(CC2D2A):c.243A>G (p.Pro81=)

Genes: CC2D2A (coiled-coil and C2 domain containing 2A; plus strand), FBXL5 (F-box and leucine rich repeat protein 5; minus strand). Cytogenetic location: 4p15.32.
Variant type: single nucleotide variant.
Coding change: c.243A>G on transcript NM_001378615.1 (MANE Select); coding-DNA position 243, A replaced by G.
Protein change: p.Pro81=; no amino-acid change (proline 81 retained).
Molecular consequence: synonymous variant. On other transcripts: missense variant (1).
Genome position (GRCh38, 1-based): chr4:15,480,823, A>G. VCF-style: chr4-15480823-A-G. GRCh37 (hg19) VCF-style: chr4-15482447-A-G.
Other names: c.243A>G, p.Pro81= (NM_001080522.2, NM_001164720.3); c.96A>G, p.Pro32= (NM_001378617.1); c.349A>G, p.Thr117Ala (NM_020785.2); short protein forms T117A.
Identifiers: ClinVar variation 596026 (VCV000596026.13), dbSNP rs766042434, ClinGen allele CA2863308.

ClinVar aggregate classification (germline): Conflicting classifications of pathogenicity. Review status: criteria provided, conflicting classifications (1 of 4 stars). 4 submissions from 4 submitters: Uncertain significance (1); Likely benign (2). 1 of the submissions does not count toward it. Last evaluated 2025-11-08.

Conditions:
Meckel-Gruber syndrome. Also called: Dysencephalia splachnocystica; DYSENCEPHALIA SPLANCHNOCYSTICA; GRUBER SYNDROME. Identifiers: Orphanet 564, MedGen C0265215, MONDO:0018921.
Joubert syndrome. Also called: Familial aplasia of the vermis; JOUBERT-BOLTSHAUSER SYNDROME. Identifiers: Orphanet 475, MedGen C5979921, MONDO:0018772.
CC2D2A-related disorder. Also called: CC2D2A-related disorders; CC2D2A-related condition. Identifiers: MedGen CN239313.

Allele frequency attached by ClinVar (database versions not stated): ExAC 0.00001; gnomAD exomes 0.00002 and 0.00005; TOPMed 0.00002; gnomAD 0.00003 and 0.00004.
gnomAD v4.1: 69 of 1,611,754 alleles (0.0043%); highest among the groups gnomAD compares: Non-Finnish European, 0.0057%; no homozygotes.

Submissions (4):

Labcorp Genetics (formerly Invitae), Labcorp
Classification: Likely benign for Joubert syndrome; Meckel-Gruber syndrome. Last evaluated: 2025-11-08. Review status: criteria provided, single submitter. Criteria: Invitae Variant Classification Sherloc (09022015). Collection method: clinical testing. Allele origin: germline.

Blueprint Genetics
Classification: Likely benign. Last evaluated: 2024-09-13. Review status: criteria provided, single submitter. Criteria: ACMG Guidelines, 2015. Collection method: clinical testing. Allele origin: germline.

Eurofins Ntd Llc (ga)
Classification: Uncertain significance. Last evaluated: 2018-02-06. Review status: criteria provided, single submitter. Criteria: EGL Classification Definitions 2015. Collection method: clinical testing. Allele origin: germline. Observed: 1 variant allele, 1 heterozygote.

PreventionGenetics, part of Exact Sciences
Classification: Uncertain significance for CC2D2A-related condition. Last evaluated: 2024-01-18. Review status: no assertion criteria provided. Collection method: clinical testing. Allele origin: germline. Not counted in ClinVar's aggregate classification.
Comment: The CC2D2A c.349A>G variant is predicted to result in the amino acid substitution p.Thr117Ala. To our knowledge, this variant has not been reported in the literature. This variant is reported in 0.0046% of alleles in individuals of European (Non-Finnish) descent in gnomAD. At this time, the clinical significance of this variant is uncertain due to the absence of conclusive functional and genetic evidence.